The following is an entry in ClinVar:

ClinVar aggregate classification (germline): Conflicting classifications of pathogenicity. Review status: criteria provided, conflicting classifications (1 of 4 stars). 9 submissions from 9 submitters: Uncertain significance (6); Likely benign (3). Last evaluated 2026-01-28.

Conditions:
HNF1B-related disorder. Also called: HNF1B-related disorders; HNF1B-related condition.
Renal cysts and diabetes syndrome (RCAD). Also called: Familial hypoplastic, glomerulocystic kidney; MATURITY-ONSET DIABETES OF THE YOUNG, TYPE 5. Identifiers: Orphanet 93111, MedGen C0431693, MONDO:0007669, OMIM 137920.
Type 2 diabetes mellitus. Also called: Type II diabetes mellitus. Identifiers: MedGen C0011860, MeSH D003924, MONDO:0005148, OMIM 125853, HP:0005978.
Maturity-onset diabetes of the young (MODY). Also called: Maturity onset diabetes mellitus in young. Identifiers: Orphanet 552, MedGen C0342276, MONDO:0018911, HP:0004904.

Allele frequency attached by ClinVar (database versions not stated): gnomAD exomes 0.00008; ExAC 0.00013; gnomAD 0.00046; ESP Exome Variant Server 0.00054; TOPMed 0.00056; 1000 Genomes Project 0.00060; 1000 Genomes Project 30x 0.00062.
gnomAD v4.1: 230 of 1,614,076 alleles (0.014%); highest among the groups gnomAD compares: African/African-American, 0.22%; 3 homozygotes.

Submissions (9):

Labcorp Genetics (formerly Invitae), Labcorp
Classification: Likely benign. Last evaluated: 2026-01-28. Review status: criteria provided, single submitter. Criteria: Invitae Variant Classification Sherloc (09022015). Collection method: clinical testing. Allele origin: germline.

PreventionGenetics, part of Exact Sciences
Classification: Likely benign for HNF1B-related condition. Last evaluated: 2025-01-07. Review status: criteria provided, single submitter. Criteria: ACMG Guidelines, 2015. Collection method: clinical testing. Allele origin: germline.
Comment: This variant is classified as likely benign based on ACMG/AMP sequence variant interpretation guidelines (Richards et al. 2015 PMID: 25741868, with internal and published modifications).

Mayo Clinic Laboratories, Mayo Clinic
Classification: Uncertain significance. Last evaluated: 2024-04-03. Review status: criteria provided, single submitter. Criteria: ACMG Guidelines, 2015. Collection method: clinical testing. Allele origin: germline. Observed: 1 variant allele.
Comment: BS1, BS2

Women's Health and Genetics/Laboratory Corporation of America, LabCorp
Classification: Likely benign. Last evaluated: 2022-08-17. Review status: criteria provided, single submitter. Criteria: LabCorp Variant Classification Summary - May 2015. Collection method: clinical testing. Allele origin: germline.

GeneDx
Classification: Uncertain significance. Last evaluated: 2021-06-28. Review status: criteria provided, single submitter. Criteria: GeneDx Variant Classification Process June 2021. Collection method: clinical testing. Allele origin: germline. Affected: yes.
Comment: Observed in patients with MODY or renal cysts and diabetes syndrome; however, additional information is not available (Bellanne-Chantelot et al., 2005; Poitou et al., 2012); In silico analysis, which includes protein predictors and evolutionary conservation, supports that this variant does not alter protein structure/function; This variant is associated with the following publications: (PMID: 22432796, 28453780, 21163139, 25700310, 27535533, 16249435, 24097065, 32041611)

New York Genome Center
Classification: Uncertain significance for Type 2 diabetes mellitus; Renal cysts and diabetes syndrome. Last evaluated: 2020-11-30. Review status: criteria provided, single submitter. Criteria: NYGC Assertion Criteria 2020. Collection method: clinical testing. Allele origin: germline. Observed: 1 heterozygote.
Comment: The heterozygous c.1108G>A (p.Gly370Ser) missense variant identified in HNF1B has been previously reported in association with maturity-onset diabetes of the young type 5/ renal cysts and diabetes syndrome [PMID: 16249435;PMID: 2243279;PMID: 24097065]. Functional studies to evaluate the potential pathogenicity of this variant were not performed. This variant has been reported as a variant of uncertain in the ClinVar database [Variation ID:379811]. The variant has 0.001521 allele frequency in the African/African-American subpopulation of the gnomAD(v3) database (63 out of 41,432 heterozygous alleles, 1 homozygous allele). The affected Gly370 residue is not highly conserved and in silico tools provide conflicting interpretations about potential pathogenicity of this variant. Based on the available evidence, the c.1108G>A (p.Gly370Ser) missense variant in the HNF1B gene is reported as a variant of uncertain significance.

Institute of Human Genetics, FAU Erlangen, Friedrich-Alexander-Universität Erlangen-Nürnberg
Classification: Uncertain significance for Renal cysts and diabetes syndrome. Last evaluated: 2019-07-06. Review status: criteria provided, single submitter. Criteria: ACMG Guidelines, 2015. Collection method: literature only. Allele origin: germline. Affected: yes.
Comment: This variant and it's classification has been reported by Vasileiou et al. 2019; DOI:10.1101/576918. The variants has previously been reported in ClinVar:379811; PMID:25700310; PMID:16249435 as "NM_000458.3(HNF1B):c.1108G>A (p.Gly370Ser)" with clinical significance Conflicting interpretations of pathogenicity; Pathogenic. It has been re-classified using InterVar and manual curation as Uncertain significance based on PM1 PP3 PP5.

Eurofins Ntd Llc (ga)
Classification: Uncertain significance. Last evaluated: 2018-07-05. Review status: criteria provided, single submitter. Criteria: EGL ClinVar v180209 classification definitions. Collection method: clinical testing. Allele origin: germline. Observed: 5 variant alleles, 5 heterozygotes.

Ambry Genetics
Classification: Uncertain significance for Maturity-onset diabetes of the young. Last evaluated: 2017-10-30. Review status: criteria provided, single submitter. Criteria: Ambry Variant Classification Scheme 2023. Collection method: clinical testing. Allele origin: germline.
Comment: The p.G370S variant (also known as c.1108G>A), located in coding exon 5 of the HNF1B gene, results from a G to A substitution at nucleotide position 1108. The glycine at codon 370 is replaced by serine, an amino acid with similar properties. This variant was detected in a cohort of individuals with maturity-onset diabetes of young(MODY)/renal cysts and diabetes (RCAD) (Bellann&eacute;-Chantelot C et al. Diabetes, 2005 Nov;54:3126-32; Poitou C et al. Transpl. Int., 2012 May;25:564-72). This amino acid position is well conserved in available vertebrate species. In addition, the in silico prediction for this alteration is inconclusive. Based on available evidence to date, the clinical significance of this alteration remains unclear.

Literature cited by the submitters: PubMed 16249435 (cited by 5 submitters); PubMed 18528323 (cited by Mayo Clinic Laboratories, Mayo Clinic and Women's Health and Genetics/Laboratory Corporation of America, LabCorp); PubMed 21163139 (cited by Mayo Clinic Laboratories, Mayo Clinic); PubMed 22432796 (cited by 3 submitters); PubMed 24097065 (cited by Mayo Clinic Laboratories, Mayo Clinic); PubMed 28453780 (cited by Mayo Clinic Laboratories, Mayo Clinic); PubMed 30476936 (cited by Mayo Clinic Laboratories, Mayo Clinic); PubMed 32041611 (cited by Mayo Clinic Laboratories, Mayo Clinic); PubMed 36208030 (cited by Mayo Clinic Laboratories, Mayo Clinic); PubMed 36613572 (cited by Mayo Clinic Laboratories, Mayo Clinic); PubMed 25700310 (cited by Institute of Human Genetics, FAU Erlangen, Friedrich-Alexander-Universität Erlangen-Nürnberg); DOI 10.1101/576918 (cited by Institute of Human Genetics, FAU Erlangen, Friedrich-Alexander-Universität Erlangen-Nürnberg).

NM_000458.4(HNF1B):c.1108G>A (p.Gly370Ser)

Gene: HNF1B (HNF1 homeobox B; minus strand). Cytogenetic location: 17q12.
Variant type: single nucleotide variant.
Coding change: c.1108G>A on transcript NM_000458.4 (MANE Select); coding-DNA position 1108, G replaced by A.
Protein change: p.Gly370Ser; replaces glycine 370 with serine.
Molecular consequence: missense variant.
Genome position (GRCh38, 1-based): chr17:37,710,601, C>T on the plus strand (G>A on the coding strand, the complement: HNF1B is on the minus strand). VCF-style: chr17-37710601-C-T. GRCh37 (hg19) VCF-style: chr17-36070609-C-T.
Other names: p.Gly370Ser; c.1030G>A, p.Gly344Ser (NM_001165923.4, NM_001304286.2); short protein forms G370S, G344S.
Identifiers: ClinVar variation 379811 (VCV000379811.25), dbSNP rs113042313, ClinGen allele CA8518897.